The following is an entry in ClinVar:

NM_001004356.3(FGFRL1):c.388G>A (p.Asp130Asn)

Gene: FGFRL1 (fibroblast growth factor receptor like 1; plus strand). Cytogenetic location: 4p16.3.
Variant type: single nucleotide variant.
Coding change: c.388G>A on transcript NM_001004356.3 (MANE Select); coding-DNA position 388, G replaced by A.
Protein change: p.Asp130Asn; replaces aspartic acid 130 with asparagine.
Molecular consequence: missense variant.
Genome position (GRCh38, 1-based): chr4:1,023,676, G>A. VCF-style: chr4-1023676-G-A. GRCh37 (hg19) VCF-style: chr4-1017464-G-A.
Other names: c.388G>A, p.Asp130Asn (NM_001004358.1, NM_001370296.1, NM_021923.3); short protein forms D130N.
Identifiers: ClinVar variation 1412693 (VCV001412693.6), dbSNP rs769257115, ClinGen allele CA2802694.

ClinVar aggregate classification (germline): Uncertain significance (1 of 4 stars; one submission).

Allele frequency attached by ClinVar (database versions not stated): gnomAD 0.00002 and 0.00003; ExAC 0.00003; TOPMed 0.00003.

Submission:

Labcorp Genetics (formerly Invitae), Labcorp
Classification: Uncertain significance. Last evaluated: 2023-07-07. Review status: criteria provided, single submitter. Criteria: Invitae Variant Classification Sherloc (09022015). Collection method: clinical testing. Allele origin: germline.
Comment: This sequence change replaces aspartic acid, which is acidic and polar, with asparagine, which is neutral and polar, at codon 130 of the FGFRL1 protein (p.Asp130Asn). The frequency data for this variant in the population databases is considered unreliable, as metrics indicate poor data quality at this position in the gnomAD database. This variant has not been reported in the literature in individuals affected with FGFRL1-related conditions. ClinVar contains an entry for this variant (Variation ID: 1412693). An algorithm developed to predict the effect of missense changes on protein structure and function (PolyPhen-2) suggests that this variant is likely to be tolerated. In summary, the available evidence is currently insufficient to determine the role of this variant in disease. Therefore, it has been classified as a Variant of Uncertain Significance.